The following is an entry in ClinVar:

NM_000521.4(HEXB):c.745dup (p.Ile249fs)

Gene: HEXB (hexosaminidase subunit beta; plus strand). Cytogenetic location: 5q13.3.
Variant type: Duplication.
Coding change: c.745dup on transcript NM_000521.4 (MANE Select); coding-DNA position 745, one base duplicated (A; older notation c.745dupA).
Protein change: p.Ile249fs; shifts the reading frame from isoleucine 249.
Molecular consequence: frameshift variant.
Genome position (GRCh38, 1-based): chr5:74,705,294, A duplicated. VCF-style (leftmost placement, unchanged base first): chr5-74705293-C-CA. GRCh37 (hg19) VCF-style: chr5-74001118-C-CA.
Other names: c.70dup, p.Ile24fs (NM_001292004.2); short protein forms I249fs, I24fs.
Identifiers: ClinVar variation 4753741 (VCV004753741.1).

ClinVar aggregate classification (germline): Pathogenic (1 of 4 stars; one submission).

Conditions:
Sandhoff disease. Also called: GM2-GANGLIOSIDOSIS, TYPE II; HEXOSAMINIDASES A AND B DEFICIENCY; Beta-hexosaminidase-beta-subunit deficiency; GM2 gangliosidosis, type 2; Total hexosaminidase deficiency; Sandhoff-Jatzkewitz-Pilz disease. Identifiers: Orphanet 796, MedGen C0036161, MONDO:0010006, OMIM 268800.

Submission:

Labcorp Genetics (formerly Invitae), Labcorp
Classification: Pathogenic for Sandhoff disease. Last evaluated: 2025-03-16. Review status: criteria provided, single submitter. Criteria: Invitae Variant Classification Sherloc (09022015). Collection method: clinical testing. Allele origin: germline.
Comment: This sequence change creates a premature translational stop signal (p.Ile249Asnfs*5) in the HEXB gene. It is expected to result in an absent or disrupted protein product. Loss-of-function variants in HEXB are known to be pathogenic (PMID: 7550345, 18758829). This variant is present in population databases (rs758966182, gnomAD 0.007%). This variant has not been reported in the literature in individuals affected with HEXB-related conditions. Algorithms developed to predict the effect of sequence changes on RNA splicing suggest that this variant may disrupt the consensus splice site. For these reasons, this variant has been classified as Pathogenic.

Literature cited by the submitters: PubMed 7550345; PubMed 18758829.